The following is an entry in ClinVar:

NM_004260.4(RECQL4):c.2754G>A (p.Glu918=)

Gene: RECQL4 (RecQ like helicase 4; minus strand). Cytogenetic location: 8q24.3.
Variant type: single nucleotide variant.
Coding change: c.2754G>A on transcript NM_004260.4 (MANE Select); coding-DNA position 2754, G replaced by A.
Protein change: p.Glu918=; no amino-acid change (glutamic acid 918 retained).
Molecular consequence: synonymous variant.
Genome position (GRCh38, 1-based): chr8:144,512,848, C>T on the plus strand (G>A on the coding strand, the complement: RECQL4 is on the minus strand). VCF-style: chr8-144512848-C-T. GRCh37 (hg19) VCF-style: chr8-145738231-C-T.
Identifiers: ClinVar variation 406995 (VCV000406995.9), dbSNP rs1060501377, ClinGen allele CA16612328.

ClinVar aggregate classification (germline): Uncertain significance. Review status: criteria provided, multiple submitters, no conflicts (2 of 4 stars). 2 submissions from 2 submitters: Uncertain significance (2). Last evaluated 2025-05-09.

Conditions:
Hereditary cancer-predisposing syndrome. Also called: Tumor predisposition; Neoplastic Syndromes, Hereditary; Hereditary Cancer Syndrome; Hereditary neoplastic syndrome. Identifiers: Orphanet 140162, MedGen C0027672, MeSH D009386, MONDO:0015356.
Baller-Gerold syndrome (BGS). Also called: CRANIOSYNOSTOSIS WITH RADIAL DEFECTS. Identifiers: Orphanet 1225, MedGen C0265308, MONDO:0009039, OMIM 218600.

Allele frequency attached by ClinVar (database versions not stated): TOPMed 0.00001; gnomAD 0.00003.
gnomAD v4.1: 12 of 1,605,000 alleles (0.00075%); highest among the groups gnomAD compares: Non-Finnish European, 0.001%; no homozygotes.

Submissions (2):

Labcorp Genetics (formerly Invitae), Labcorp
Classification: Uncertain significance for Baller-Gerold syndrome. Last evaluated: 2025-05-09. Review status: criteria provided, single submitter. Criteria: Invitae Variant Classification Sherloc (09022015). Collection method: clinical testing. Allele origin: germline.
Comment: This sequence change affects codon 918 of the RECQL4 mRNA. It is a 'silent' change, meaning that it does not change the encoded amino acid sequence of the RECQL4 protein. It affects a nucleotide within the consensus splice site. This variant is present in population databases (no rsID available, gnomAD 0.007%). This variant has not been reported in the literature in individuals affected with RECQL4-related conditions. ClinVar contains an entry for this variant (Variation ID: 406995). Algorithms developed to predict the effect of sequence changes on RNA splicing suggest that this variant is not likely to affect RNA splicing. In summary, the available evidence is currently insufficient to determine the role of this variant in disease. Therefore, it has been classified as a Variant of Uncertain Significance.

Sema4
Classification: Uncertain significance for Hereditary cancer-predisposing syndrome. Last evaluated: 2021-05-03. Review status: criteria provided, single submitter. Criteria: Sema4 Curation Guidelines. Collection method: curation. Allele origin: germline.
Comment: The RECQL4 c.2754G>A (p.E918=) variant has not been reported in the literature to our knowledge. It was observed in 1/15428 chromosomes of the European (non-Finnish) subpopulation in the large and broad cohorts of the Genome Aggregation Database (PMID: 32461654) and has been reported in ClinVar (Variation ID 406995). In silico tools suggest the variant may alter splicing, though these predictions have not been confirmed by functional studies. The evidence is insufficient to meet ACMG/AMP criteria for classifying the variant as benign or pathogenic. Thus, the clinical significance of this variant is currently uncertain.